The following is an entry in ClinVar:

NM_173660.5(DOK7):c.1185C>T (p.Tyr395=)

Gene: DOK7 (docking protein 7; plus strand). Cytogenetic location: 4p16.3.
Variant type: single nucleotide variant.
Coding change: c.1185C>T on transcript NM_173660.5 (MANE Select); coding-DNA position 1185, C replaced by T.
Protein change: p.Tyr395=; no amino-acid change (tyrosine 395 retained).
Molecular consequence: synonymous variant. On other transcripts: 3 prime UTR variant (1).
Genome position (GRCh38, 1-based): chr4:3,493,171, C>T. VCF-style: chr4-3493171-C-T. GRCh37 (hg19) VCF-style: chr4-3494898-C-T.
Other names: p.Tyr395=; c.*406C>T (NM_001164673.2); c.255C>T, p.Tyr85= (NM_001256896.2); c.1185C>T, p.Tyr395= (NM_001301071.2); c.753C>T, p.Tyr251= (NM_001363811.2).
Identifiers: ClinVar variation 128907 (VCV000128907.26), dbSNP rs6850908, ClinGen allele CA152593.

ClinVar aggregate classification (germline): Benign/Likely benign. Review status: criteria provided, multiple submitters, no conflicts (2 of 4 stars). 11 submissions from 11 submitters: Benign (8); Likely benign (1). 2 of the submissions do not count toward it. Last evaluated 2026-04-13.

Conditions:
Fetal akinesia deformation sequence 1 (FADS1). Also called: Pena-Shokeir syndrome type I; Fetal akinesia sequence. Identifiers: Orphanet 994, MedGen C1276035, MONDO:0100101, OMIM 208150, HP:0001989.
Congenital myasthenic syndrome 10. Also called: Myasthenia, limb-girdle, familial. Identifiers: Orphanet 590, MedGen C1850792, MONDO:0009690, OMIM 254300.

Allele frequency attached by ClinVar (database versions not stated): ESP Exome Variant Server 0.15977; TOPMed 0.16880; gnomAD 0.18472 and 0.18988; 1000 Genomes Project 30x 0.20628; 1000 Genomes Project 0.21965; gnomAD exomes 0.23077; ExAC 0.27220.
gnomAD v4.1: 347,856 of 1,607,220 alleles (22%); highest among the groups gnomAD compares: East Asian, 51%; 41,757 homozygotes.

Submissions (11):

Women's Health and Genetics/Laboratory Corporation of America, LabCorp
Classification: Benign. Last evaluated: 2026-04-13. Review status: criteria provided, single submitter. Criteria: LabCorp Variant Classification Summary - May 2015. Collection method: clinical testing. Allele origin: germline.

Labcorp Genetics (formerly Invitae), Labcorp
Classification: Benign for Congenital myasthenic syndrome 10; Fetal akinesia deformation sequence 1. Last evaluated: 2026-02-04. Review status: criteria provided, single submitter. Criteria: Invitae Variant Classification Sherloc (09022015). Collection method: clinical testing. Allele origin: germline.

Blueprint Genetics
Classification: Likely benign. Last evaluated: 2024-11-26. Review status: criteria provided, single submitter. Criteria: ACMG Guidelines, 2015. Collection method: clinical testing. Allele origin: germline.

Mayo Clinic Laboratories, Mayo Clinic
Classification: Benign. Last evaluated: 2017-07-24. Review status: criteria provided, single submitter. Criteria: ACMG Guidelines, 2015. Collection method: clinical testing. Allele origin: germline. Observed: 156 variant alleles.

GeneDx
Classification: Benign. Last evaluated: 2016-02-05. Review status: criteria provided, single submitter. Criteria: GeneDx Variant Classification (06012015). Collection method: clinical testing. Allele origin: germline. Affected: yes.
Comment: This variant is considered likely benign or benign based on one or more of the following criteria: it is a conservative change, it occurs at a poorly conserved position in the protein, it is predicted to be benign by multiple in silico algorithms, and/or has population frequency not consistent with disease.

Eurofins Ntd Llc (ga)
Classification: Benign. Last evaluated: 2014-11-23. Review status: criteria provided, single submitter. Criteria: EGL Classification Definitions 2015. Collection method: clinical testing. Allele origin: germline. Observed: 6 variant alleles, 4 heterozygotes, 2 homozygotes.

Genetic Services Laboratory, University of Chicago
Classification: Benign for AllHighlyPenetrant. Last evaluated: 2013-08-15. Review status: criteria provided, single submitter. Criteria: ACMG Guidelines, 2007. Collection method: clinical testing. Allele origin: germline. Inheritance: Autosomal recessive inheritance.

Breakthrough Genomics
Classification: Benign. Review status: criteria provided, single submitter. Criteria: ACMG Guidelines, 2015. Collection method: not provided. Allele origin: germline. Inheritance: Autosomal recessive inheritance. Affected: yes.

PreventionGenetics, part of Exact Sciences
Classification: Benign. Review status: criteria provided, single submitter. Criteria: ACMG Guidelines, 2015. Collection method: clinical testing. Allele origin: germline.

Genome Diagnostics Laboratory, University Medical Center Utrecht
Classification: Benign. Review status: no assertion criteria provided. Collection method: clinical testing. Allele origin: germline. Affected: yes. Study: VKGL Data-share Consensus. Not counted in ClinVar's aggregate classification.

Joint Genome Diagnostic Labs from Nijmegen and Maastricht, Radboudumc and MUMC+
Classification: Benign. Review status: no assertion criteria provided. Collection method: clinical testing. Allele origin: germline. Affected: yes. Study: VKGL Data-share Consensus. Not counted in ClinVar's aggregate classification.